The following is an entry in ClinVar:

NM_005546.4(ITK):c.868A>T (p.Ile290Leu)

Gene: ITK (IL2 inducible T cell kinase; plus strand). Cytogenetic location: 5q33.3.
Variant type: single nucleotide variant.
Coding change: c.868A>T on transcript NM_005546.4 (MANE Select); coding-DNA position 868, A replaced by T.
Protein change: p.Ile290Leu; replaces isoleucine 290 with leucine.
Molecular consequence: missense variant.
Genome position (GRCh38, 1-based): chr5:157,240,078, A>T. VCF-style: chr5-157240078-A-T. GRCh37 (hg19) VCF-style: chr5-156667088-A-T.
Other names: p.Ile290Leu; c.868A>T (NM_005546.3); short protein forms I290L.
Identifiers: ClinVar variation 1417228 (VCV001417228.7), dbSNP rs150729024, ClinGen allele CA3532930.

ClinVar aggregate classification (germline): Uncertain significance. Review status: criteria provided, multiple submitters, no conflicts (2 of 4 stars). 3 submissions from 3 submitters: Uncertain significance (3). Last evaluated 2024-08-01.

Conditions:
Lymphoproliferative syndrome 1 (LPFS1). Identifiers: Orphanet 238505, Orphanet 538963, MedGen C3552634, MONDO:0013081, OMIM 613011.

Allele frequency attached by ClinVar (database versions not stated): ExAC 0.00002; ESP Exome Variant Server 0.00015.
gnomAD v4.1: 44 of 1,611,466 alleles (0.0027%); highest among the groups gnomAD compares: Non-Finnish European, 0.0033%; no homozygotes.

Submissions (3):

Mayo Clinic Laboratories, Mayo Clinic
Classification: Uncertain significance. Last evaluated: 2024-08-01. Review status: criteria provided, single submitter. Criteria: ACMG Guidelines, 2015. Collection method: clinical testing. Allele origin: germline. Observed: 1 variant allele.

Blueprint Genetics
Classification: Uncertain significance. Last evaluated: 2024-07-08. Review status: criteria provided, single submitter. Criteria: ACMG Guidelines, 2015. Collection method: clinical testing. Allele origin: germline.

Labcorp Genetics (formerly Invitae), Labcorp
Classification: Uncertain significance for Lymphoproliferative syndrome 1. Last evaluated: 2021-08-28. Review status: criteria provided, single submitter. Criteria: Invitae Variant Classification Sherloc (09022015). Collection method: clinical testing. Allele origin: germline.
Comment: This sequence change replaces isoleucine with leucine at codon 290 of the ITK protein (p.Ile290Leu). The isoleucine residue is moderately conserved and there is a small physicochemical difference between isoleucine and leucine. This variant is present in population databases (rs150729024, ExAC 0.003%). This variant has not been reported in the literature in individuals affected with ITK-related conditions. Advanced modeling of protein sequence and biophysical properties (such as structural, functional, and spatial information, amino acid conservation, physicochemical variation, residue mobility, and thermodynamic stability) performed at Invitae indicates that this missense variant is not expected to disrupt ITK protein function. In summary, the available evidence is currently insufficient to determine the role of this variant in disease. Therefore, it has been classified as a Variant of Uncertain Significance.